The following is an entry in ClinVar:

NM_006118.4(HAX1):c.622T>A (p.Phe208Ile)

Gene: HAX1 (HCLS1 associated protein X-1; plus strand). Cytogenetic location: 1q21.3.
Variant type: single nucleotide variant.
Coding change: c.622T>A on transcript NM_006118.4 (MANE Select); coding-DNA position 622, T replaced by A.
Protein change: p.Phe208Ile; replaces phenylalanine 208 with isoleucine.
Molecular consequence: missense variant.
Genome position (GRCh38, 1-based): chr1:154,275,219, T>A. VCF-style: chr1-154275219-T-A. GRCh37 (hg19) VCF-style: chr1-154247695-T-A.
Other names: c.478T>A, p.Phe160Ile (NM_001018837.2); short protein forms F160I, F208I.
Identifiers: ClinVar variation 3068262 (VCV003068262.3), dbSNP rs1684906376, ClinGen allele CA342593725.

ClinVar aggregate classification (germline): Uncertain significance. Review status: criteria provided, multiple submitters, no conflicts (2 of 4 stars). 3 submissions from 3 submitters: Uncertain significance (3). Last evaluated 2025-08-29.

Conditions:
Inborn genetic diseases. Identifiers: MedGen C0950123, MeSH D030342.
Kostmann syndrome (SCN3). Also called: Autosomal recessive severe congenital neutropenia type 3; KOSTMANN DISEASE. Identifiers: Orphanet 99749, MedGen C5235141, MONDO:0012548, OMIM 610738.

Allele frequency attached by ClinVar (database versions not stated): gnomAD exomes below 0.00001; TOPMed below 0.00001.
gnomAD v4.1: 3 of 1,613,818 alleles (0.00019%); highest among the groups gnomAD compares: Middle Eastern, 0.017%; no homozygotes.

Submissions (3):

Labcorp Genetics (formerly Invitae), Labcorp
Classification: Uncertain significance for Kostmann syndrome. Last evaluated: 2025-08-29. Review status: criteria provided, single submitter. Criteria: Invitae Variant Classification Sherloc (09022015). Collection method: clinical testing. Allele origin: germline.
Comment: This sequence change replaces phenylalanine, which is neutral and non-polar, with isoleucine, which is neutral and non-polar, at codon 208 of the HAX1 protein (p.Phe208Ile). This variant is not present in population databases (gnomAD no frequency). This variant has not been reported in the literature in individuals affected with HAX1-related conditions. ClinVar contains an entry for this variant (Variation ID: 3068262). Invitae Evidence Modeling of protein sequence and biophysical properties (such as structural, functional, and spatial information, amino acid conservation, physicochemical variation, residue mobility, and thermodynamic stability) has been performed for this missense variant. However, the output from this modeling did not meet the statistical confidence thresholds required to predict the impact of this variant on HAX1 protein function. In summary, the available evidence is currently insufficient to determine the role of this variant in disease. Therefore, it has been classified as a Variant of Uncertain Significance.

Ambry Genetics
Classification: Uncertain significance for Inborn genetic diseases. Last evaluated: 2025-01-17. Review status: criteria provided, single submitter. Criteria: Ambry Variant Classification Scheme 2023. Collection method: clinical testing. Allele origin: germline.
Comment: The p.F208I variant (also known as c.622T>A), located in coding exon 5 of the HAX1 gene, results from a T to A substitution at nucleotide position 622. The phenylalanine at codon 208 is replaced by isoleucine, an amino acid with highly similar properties. This amino acid position is conserved. In addition, the in silico prediction for this alteration is inconclusive. Based on the available evidence, the clinical significance of this variant remains unclear.

Genomic Medicine Center of Excellence, King Faisal Specialist Hospital and Research Centre
Classification: Uncertain significance for Kostmann syndrome. Last evaluated: 2024-04-04. Review status: criteria provided, single submitter. Criteria: ACMG Guidelines, 2015. Collection method: clinical testing. Allele origin: germline.